The following is an entry in ClinVar:

ClinVar aggregate classification (germline): Uncertain significance. Review status: criteria provided, multiple submitters, no conflicts (2 of 4 stars). 2 submissions from 2 submitters: Uncertain significance (2). Last evaluated 2024-01-21.

Conditions:
Familial hypokalemia-hypomagnesemia (GTLMNS). Also called: gitelman syndrome; HYPOMAGNESEMIA-HYPOKALEMIA, PRIMARY RENOTUBULAR, WITH HYPOCALCIURIA; POTASSIUM AND MAGNESIUM DEPLETION. Identifiers: Orphanet 358, MedGen C0268450, MONDO:0009904, OMIM 263800.

Allele frequency attached by ClinVar (database versions not stated): ExAC 0.00002; gnomAD exomes 0.00002; gnomAD 0.00004.
gnomAD v4.1: 117 of 1,613,804 alleles (0.0072%); highest among the groups gnomAD compares: Non-Finnish European, 0.0092%; no homozygotes.

Submissions (2):

Fulgent Genetics
Classification: Uncertain significance for Familial hypokalemia-hypomagnesemia. Last evaluated: 2024-01-21. Review status: criteria provided, single submitter. Criteria: ACMG Guidelines, 2015. Collection method: clinical testing. Allele origin: germline.

GeneDx
Classification: Uncertain significance. Last evaluated: 2021-04-13. Review status: criteria provided, single submitter. Criteria: GeneDx Variant Classification Process June 2021. Collection method: clinical testing. Allele origin: germline. Affected: yes.
Comment: Has not been previously published as pathogenic or benign to our knowledge; In silico analysis, which includes splice predictors and evolutionary conservation, suggests this variant may impact gene splicing. In the absence of RNA/functional studies, the actual effect of this sequence change is unknown.

NM_001126108.2(SLC12A3):c.360C>T (p.Gly120=)

Gene: SLC12A3 (solute carrier family 12 member 3; plus strand). Cytogenetic location: 16q13.
Variant type: single nucleotide variant.
Coding change: c.360C>T on transcript NM_001126108.2 (MANE Select); coding-DNA position 360, C replaced by T.
Protein change: p.Gly120=; no amino-acid change (glycine 120 retained).
Molecular consequence: synonymous variant.
Genome position (GRCh38, 1-based): chr16:56,867,147, C>T. VCF-style: chr16-56867147-C-T. GRCh37 (hg19) VCF-style: chr16-56901059-C-T.
Other names: c.360C>T, p.Gly120= (NM_000339.3); c.357C>T, p.Gly119= (NM_001126107.2).
Identifiers: ClinVar variation 1314308 (VCV001314308.3), dbSNP rs753383791, ClinGen allele CA8068993.